The following is an entry in ClinVar:

ClinVar aggregate classification (germline): Uncertain significance. Review status: criteria provided, multiple submitters, no conflicts (2 of 4 stars). 2 submissions from 2 submitters: Uncertain significance (2). Last evaluated 2022-02-18.

Submissions (2):

GeneDx
Classification: Uncertain significance. Last evaluated: 2022-02-18. Review status: criteria provided, single submitter. Criteria: GeneDx Variant Classification Process June 2021. Collection method: clinical testing. Allele origin: germline. Affected: yes.
Comment: Not observed at significant frequency in large population cohorts (gnomAD); Canonical splice site variant in a gene for which loss-of-function is not a known mechanism of disease; Has not been previously published as pathogenic or benign to our knowledge

Greenwood Genetic Center Diagnostic Laboratories, Greenwood Genetic Center
Classification: Uncertain significance. Last evaluated: 2020-09-16. Review status: criteria provided, single submitter. Criteria: ACMG Guidelines, 2015. Collection method: clinical testing. Allele origin: germline. Affected: yes.

NM_006009.4(TUBA1A):c.376-1G>C

Gene: TUBA1A (tubulin alpha 1a; minus strand). Cytogenetic location: 12q13.12.
Variant type: single nucleotide variant.
Coding change: c.376-1G>C on transcript NM_006009.4 (MANE Select); the canonical splice acceptor site of the intron before coding-DNA position 376, G replaced by C.
Molecular consequence: splice acceptor variant.
Genome position (GRCh38, 1-based): chr12:49,185,991, C>G on the plus strand (G>C on the coding strand, the complement: TUBA1A is on the minus strand). VCF-style: chr12-49185991-C-G. GRCh37 (hg19) VCF-style: chr12-49579774-C-G.
Other names: c.271-1G>C (NM_001270400.2); c.376-1G>C (NM_001270399.2).
Identifiers: ClinVar variation 992310 (VCV000992310.4), dbSNP rs1942175909, ClinGen allele CA384642919.